The following is an entry in ClinVar:

ClinVar aggregate classification (germline): Benign (1 of 4 stars; one submission).

Conditions:
Leigh syndrome (NULS). Also called: Leigh's necrotizing encephalopathy; Leigh's disease; Leigh's syndrome; LEIGH SYNDROME, NUCLEAR; Leigh Syndrome (mtDNA deletion); Leigh Disease. Identifiers: Orphanet 506, MedGen C2931891, MONDO:0009723, OMIM 256000.

Submission:

Wong Mito Lab, Molecular and Human Genetics, Baylor College of Medicine
Classification: Benign for Leigh syndrome. Last evaluated: 2019-10-17. Review status: criteria provided, single submitter. Criteria: Modified ACMG Guidelines (Unpublished). Collection method: clinical testing. Allele origin: germline.
Comment: The NC_012920.1:m.13754C>T (YP_003024036.1:p.Ser473Phe) variant in MTND5 gene is interpretated to be a Benign variant based on the modified ACMG guidelines (unpublished). This variant meets the following evidence codes: BS1, BS4, BP4

NC_012920.1(MT-ND5):m.13754C>T

Gene: MT-ND5 (mitochondrially encoded NADH dehydrogenase 5; plus strand).
Variant type: single nucleotide variant.
Genome position: chrM-13754-C-T.
Identifiers: ClinVar variation 693599 (VCV000693599.1), dbSNP rs1603224337, ClinGen allele CA414819383.
Genomic context (GRCh38, chrMT:13,754, plus strand): 5'-CCATTAAACGCCTGGCAGCCGGAAGCCTATTCGCAGGATTTCTCATTACTAACAACATTT[C>T]CCCCGCATCCCCCTTCCAAACAACAATCCCCCTCTACCTAAAACTCACAGCCCTCGCTGT-3'